The following is an entry in ClinVar:

NM_014712.3(SETD1A):c.1174C>A (p.Pro392Thr)

Gene: SETD1A (SET domain containing 1A, histone lysine methyltransferase; plus strand). Cytogenetic location: 16p11.2.
Variant type: single nucleotide variant.
Coding change: c.1174C>A on transcript NM_014712.3 (MANE Select); coding-DNA position 1174, C replaced by A.
Protein change: p.Pro392Thr; replaces proline 392 with threonine.
Molecular consequence: missense variant.
Genome position (GRCh38, 1-based): chr16:30,964,916, C>A. VCF-style: chr16-30964916-C-A. GRCh37 (hg19) VCF-style: chr16-30976237-C-A.
Other names: p.Pro392Thr; short protein forms P392T.
Identifiers: ClinVar variation 1801501 (VCV001801501.4), dbSNP rs771871764, ClinGen allele CA8016619.
Genomic context (GRCh38, chr16:30,964,916, plus strand): 5'-AGCTGGAATCGCTACCAGCGCCATACTTCCTACCCACCACGCCGGGCCACACGGGAGGAA[C>A]CCCCTGGAGCCCCTTTTGCTGAAAATACAGCTGAGCGCTTCCCACCTTCTTACACCTCCT-3'
Protein context (NP_055527.1, residues 382-402): YPPRRATREE[Pro392Thr]PGAPFAENTA

ClinVar aggregate classification (germline): Uncertain significance. Review status: criteria provided, multiple submitters, no conflicts (2 of 4 stars). 2 submissions from 2 submitters: Uncertain significance (2). Last evaluated 2022-10-24.

Conditions:
Neurodevelopmental disorder with speech impairment and dysmorphic facies. Identifiers: MedGen C5436699, MONDO:0033630, OMIM 619056.

Allele frequency attached by ClinVar (database versions not stated): ExAC 0.00001.
gnomAD v4.1: 1 of 1,614,018 alleles (0.000062%); highest among the groups gnomAD compares: South Asian, 0.0011%; no homozygotes.

Submissions (2):

Blueprint Genetics
Classification: Uncertain significance. Last evaluated: 2022-10-24. Review status: criteria provided, single submitter. Criteria: ACMG Guidelines, 2015. Collection method: clinical testing. Allele origin: germline.

Foundation for Research in Genetics and Endocrinology, FRIGE's Institute of Human Genetics
Classification: Uncertain significance for Neurodevelopmental disorder with speech impairment and dysmorphic facies. Last evaluated: 2022-08-17. Review status: criteria provided, single submitter. Criteria: ACMG Guidelines, 2015. Collection method: clinical testing. Allele origin: germline. Inheritance: Autosomal dominant inheritance. Affected: yes. Observed: 1 heterozygote.
Comment: A heterozygpus missense variation in exon 7 of the SETD1A gene that result in the amino acid substitution of threonine for proline at codon 392 was detected. This variant has not been reported in 1000 genome and gnomAD databases. The insilico prediction of the variant is damaging by SIFT. The reference codon is conserved across species. In summary, the variant meets our criteria to be classified as a variant of uncertain significance.